The following is an entry in ClinVar:

NM_001349253.2(SCN11A):c.4109T>A (p.Ile1370Asn)

Gene: SCN11A (sodium voltage-gated channel alpha subunit 11; minus strand). Cytogenetic location: 3p22.2.
Variant type: single nucleotide variant.
Coding change: c.4109T>A on transcript NM_001349253.2 (MANE Select); coding-DNA position 4109, T replaced by A.
Protein change: p.Ile1370Asn; replaces isoleucine 1370 with asparagine.
Molecular consequence: missense variant.
Genome position (GRCh38, 1-based): chr3:38,850,699, A>T on the plus strand (T>A on the coding strand, the complement: SCN11A is on the minus strand). VCF-style: chr3-38850699-A-T. GRCh37 (hg19) VCF-style: chr3-38892190-A-T.
Other names: c.4109T>A (NM_014139.2); c.4109T>A, p.Ile1370Asn (NM_014139.3); short protein forms I1370N.
Identifiers: ClinVar variation 1416385 (VCV001416385.9), dbSNP rs772646322, ClinGen allele CA352165869.

ClinVar aggregate classification (germline): Uncertain significance. Review status: criteria provided, multiple submitters, no conflicts (2 of 4 stars). 2 submissions from 2 submitters: Uncertain significance (2). Last evaluated 2024-10-04.

Conditions:
Inborn genetic diseases. Identifiers: MedGen C0950123, MeSH D030342.
Hereditary sensory and autonomic neuropathy type 7. Also called: Neuropathy, hereditary sensory and autonomic, type VII; HSAN VII. Identifiers: Orphanet 391397, MedGen C3809882, MONDO:0014244, OMIM 615548.
Familial episodic pain syndrome with predominantly lower limb involvement. Also called: Episodic pain syndrome, familial, 3. Identifiers: Orphanet 391384, Orphanet 391392, MedGen C3809899, MONDO:0014247, OMIM 615552.

gnomAD v4.1: 3 of 1,613,352 alleles (0.00019%); highest among the groups gnomAD compares: Non-Finnish European, 0.00025%; no homozygotes.

Submissions (2):

Ambry Genetics
Classification: Uncertain significance for Inborn genetic diseases. Last evaluated: 2024-10-04. Review status: criteria provided, single submitter. Criteria: Ambry Variant Classification Scheme 2023. Collection method: clinical testing. Allele origin: germline.

Labcorp Genetics (formerly Invitae), Labcorp
Classification: Uncertain significance for Familial episodic pain syndrome with predominantly lower limb involvement; Hereditary sensory and autonomic neuropathy type 7. Last evaluated: 2021-04-20. Review status: criteria provided, single submitter. Criteria: Invitae Variant Classification Sherloc (09022015). Collection method: clinical testing. Allele origin: germline.
Comment: This sequence change replaces isoleucine with asparagine at codon 1370 of the SCN11A protein (p.Ile1370Asn). The isoleucine residue is moderately conserved and there is a large physicochemical difference between isoleucine and asparagine. This variant is not present in population databases (ExAC no frequency). This variant has not been reported in the literature in individuals with SCN11A-related conditions. Algorithms developed to predict the effect of missense changes on protein structure and function (SIFT, PolyPhen-2, Align-GVGD) all suggest that this variant is likely to be disruptive, but these predictions have not been confirmed by published functional studies and their clinical significance is uncertain. In summary, the available evidence is currently insufficient to determine the role of this variant in disease. Therefore, it has been classified as a Variant of Uncertain Significance.